The following is an entry in ClinVar:

ClinVar aggregate classification (germline): Uncertain significance. Review status: criteria provided, multiple submitters, no conflicts (2 of 4 stars). 2 submissions from 2 submitters: Uncertain significance (2). Last evaluated 2023-01-19.

Conditions:
Hereditary spastic paraplegia 43. Also called: Spastic paraplegia 43, autosomal recessive. Identifiers: Orphanet 320370, MedGen C2680446, MONDO:0014024, OMIM 615043.
Neurodegeneration with brain iron accumulation 4 (NBIA4). Also called: MITOCHONDRIAL PROTEIN-ASSOCIATED NEURODEGENERATION. Identifiers: Orphanet 289560, MedGen C3280371, MONDO:0013674, OMIM 614298. Disease mechanism: loss of function.

Allele frequency attached by ClinVar (database versions not stated): gnomAD exomes below 0.00001; TOPMed below 0.00001.
gnomAD v4.1: 2 of 1,614,150 alleles (0.00012%); highest among the groups gnomAD compares: Non-Finnish European, 0.00017%; no homozygotes.

Submissions (2):

Labcorp Genetics (formerly Invitae), Labcorp
Classification: Uncertain significance for Hereditary spastic paraplegia 43. Last evaluated: 2023-01-19. Review status: criteria provided, single submitter. Criteria: Invitae Variant Classification Sherloc (09022015). Collection method: clinical testing. Allele origin: germline.
Comment: This sequence change replaces asparagine, which is neutral and polar, with aspartic acid, which is acidic and polar, at codon 101 of the C19orf12 protein (p.Asn101Asp). This variant is not present in population databases (gnomAD no frequency). This variant has not been reported in the literature in individuals affected with C19orf12-related conditions. ClinVar contains an entry for this variant (Variation ID: 1299224). Algorithms developed to predict the effect of missense changes on protein structure and function output the following: SIFT: "Tolerated"; PolyPhen-2: "Benign"; Align-GVGD: "Class C0". The aspartic acid amino acid residue is found in multiple mammalian species, which suggests that this missense change does not adversely affect protein function. In summary, the available evidence is currently insufficient to determine the role of this variant in disease. Therefore, it has been classified as a Variant of Uncertain Significance.

Breda Genetics srl
Classification: Uncertain significance for Neurodegeneration with brain iron accumulation 4. Last evaluated: 2021-02-03. Review status: criteria provided, single submitter. Criteria: ACMG Guidelines, 2015. Collection method: clinical testing. Allele origin: germline. Inheritance: Autosomal recessive inheritance. Affected: yes. Observed: 1 variant allele, 1 heterozygote.
Comment: The variant c.301A>G (p.Asn101Asp) in the C19orf12 gene has not been reported in dbSNP, gnomAD or ClinVar. The nucleotide position is moderately conserved across 35 mammalian species (GERP RS: 3.11). In silico analysis indicates that the variant might be neutral. However, especially in the setting of variable expressivity, it is advised to use in silico prediction tools with caution (PMID: 29805046).

NM_031448.6(C19orf12):c.268A>G (p.Asn90Asp)

Gene: C19orf12 (chromosome 19 open reading frame 12; minus strand). Cytogenetic location: 19q12.
Variant type: single nucleotide variant.
Coding change: c.268A>G on transcript NM_031448.6 (MANE Select); coding-DNA position 268, A replaced by G.
Protein change: p.Asn90Asp; replaces asparagine 90 with aspartic acid.
Molecular consequence: missense variant.
Genome position (GRCh38, 1-based): chr19:29,702,870, T>C on the plus strand (A>G on the coding strand, the complement: C19orf12 is on the minus strand). VCF-style: chr19-29702870-T-C. GRCh37 (hg19) VCF-style: chr19-30193777-T-C.
Other names: c.268A>G, p.Asn90Asp (NM_001031726.4, NM_001256046.3, NM_001256047.2); c.76A>G, p.Asn26Asp (NM_001282929.1, NM_001282930.3, NM_001282931.3); short protein forms N26D, N90D.
Identifiers: ClinVar variation 1299224 (VCV001299224.6), dbSNP rs1972180871, ClinGen allele CA405143017.